The following is an entry in ClinVar:

ClinVar aggregate classification (germline): Uncertain significance (1 of 4 stars; one submission).

Conditions:
Familial sleep-related hypermotor epilepsy. Also called: Autosomal Dominant Sleep-Related Hypermotor (Hyperkinetic) Epilepsy. Identifiers: Orphanet 98784, MedGen C3696898, MONDO:0000030.

Allele frequency attached by ClinVar (database versions not stated): gnomAD exomes below 0.00001; TOPMed below 0.00001; gnomAD 0.00001.
gnomAD v4.1: 2 of 1,591,292 alleles (0.00013%); highest among the groups gnomAD compares: African/African-American, 0.0027%; no homozygotes.

Submission:

Labcorp Genetics (formerly Invitae), Labcorp
Classification: Uncertain significance. Last evaluated: 2024-09-17. Review status: criteria provided, single submitter. Criteria: Invitae Variant Classification Sherloc (09022015). Collection method: clinical testing. Allele origin: germline.
Comment: This sequence change replaces serine, which is neutral and polar, with threonine, which is neutral and polar, at codon 406 of the CHRNA2 protein (p.Ser406Thr). This variant is not present in population databases (gnomAD no frequency). This variant has not been reported in the literature in individuals affected with CHRNA2-related conditions. ClinVar contains an entry for this variant (Variation ID: 1906746). Invitae Evidence Modeling of protein sequence and biophysical properties (such as structural, functional, and spatial information, amino acid conservation, physicochemical variation, residue mobility, and thermodynamic stability) indicates that this missense variant is not expected to disrupt CHRNA2 protein function with a negative predictive value of 80%. In summary, the available evidence is currently insufficient to determine the role of this variant in disease. Therefore, it has been classified as a Variant of Uncertain Significance.

NM_000742.4(CHRNA2):c.1217G>C (p.Ser406Thr)

Gene: CHRNA2 (cholinergic receptor nicotinic alpha 2 subunit; minus strand). Cytogenetic location: 8p21.2.
Variant type: single nucleotide variant.
Coding change: c.1217G>C on transcript NM_000742.4 (MANE Select); coding-DNA position 1217, G replaced by C.
Protein change: p.Ser406Thr; replaces serine 406 with threonine.
Molecular consequence: missense variant.
Genome position (GRCh38, 1-based): chr8:27,463,226, C>G on the plus strand (G>C on the coding strand, the complement: CHRNA2 is on the minus strand). VCF-style: chr8-27463226-C-G. GRCh37 (hg19) VCF-style: chr8-27320743-C-G.
Other names: c.1172G>C, p.Ser391Thr (NM_001282455.2); c.740G>C, p.Ser247Thr (NM_001347705.2, NM_001347706.2); c.623G>C, p.Ser208Thr (NM_001347707.2, NM_001347708.2); short protein forms S208T, S247T, S406T, S391T.
Identifiers: ClinVar variation 1906746 (VCV001906746.5), dbSNP rs1812563867, ClinGen allele CA370809148.